The following is an entry in ClinVar:

NM_020937.4(FANCM):c.1363_1366delinsCAAAGTTAAAGAAA (p.Glu455_Val456delinsGlnSerTer)

Gene: FANCM (FA complementation group M; plus strand). Cytogenetic location: 14q21.2.
Variant type: Indel.
Coding change: c.1363_1366delinsCAAAGTTAAAGAAA on transcript NM_020937.4 (MANE Select); coding-DNA positions 1363 to 1366, GAAG replaced by CAAAGTTAAAGAAA.
Protein change: p.Glu455_Val456delinsGlnSerTer.
Molecular consequence: nonsense. On other transcripts: frameshift variant (1).
Genome position (GRCh38, 1-based): chr14:45,155,426-45,155,429, GAAG replaced by CAAAGTTAAAGAAA. VCF-style: chr14-45155426-GAAG-CAAAGTTAAAGAAA. GRCh37 (hg19) VCF-style: chr14-45624629-GAAG-CAAAGTTAAAGAAA.
Other names: c.1285_1288delinsCAAAGTTAAAGAAA, p.Glu429_Val430delinsGlnSerTer (NM_001308133.2); c.1363_1366delinsCAAAGTTAAAGAAA, p.Glu455_Val456delinsGlnSerTer (NM_001308134.2); c.1363_1366delGAAGinsCAAAGTTAAAGAAA, p.Glu455Glnfs (NM_020937.2).
Identifiers: ClinVar variation 2582161 (VCV002582161.6), dbSNP rs2503110158, ClinGen allele CA2582341751.

ClinVar aggregate classification (germline): Pathogenic/Likely pathogenic. Review status: criteria provided, multiple submitters, no conflicts (2 of 4 stars). 2 submissions from 2 submitters: Pathogenic (1); Likely pathogenic (1). Last evaluated 2024-09-23.

Conditions:
Fanconi anemia (FA). Also called: Fanconi's anemia. Identifiers: Orphanet 84, MedGen C0015625, MeSH D005199, MONDO:0019391.

Submissions (2):

Labcorp Genetics (formerly Invitae), Labcorp
Classification: Pathogenic for Fanconi anemia. Last evaluated: 2024-09-23. Review status: criteria provided, single submitter. Criteria: Invitae Variant Classification Sherloc (09022015). Collection method: clinical testing. Allele origin: germline.
Comment: This sequence change creates a premature translational stop signal (p.Glu455Glnfs*3) in the FANCM gene. It is expected to result in an absent or disrupted protein product. Loss-of-function variants in FANCM are known to be pathogenic (PMID: 29895858, 30075111). This variant is present in population databases (rs774390409, gnomAD 0.005%). This premature translational stop signal has been observed in individual(s) with hereditary ovarian and breast cancer (PMID: 31921681). This variant is also known as c.1360_1361insAACAAAGTTA, p.E455Qfs*2. Algorithms developed to predict the effect of sequence changes on RNA splicing suggest that this variant may disrupt the consensus splice site. For these reasons, this variant has been classified as Pathogenic.

GeneDx
Classification: Likely pathogenic. Last evaluated: 2024-05-30. Review status: criteria provided, single submitter. Criteria: GeneDx Variant Classification Process June 2021. Collection method: clinical testing. Allele origin: germline. Affected: yes.
Comment: Frameshift variant predicted to result in protein truncation or nonsense mediated decay in a gene for which loss of function is a known mechanism of disease; Not observed at significant frequency in large population cohorts (gnomAD); Alternate nucleotide change (c.1362_1363insCAAAGTTAAA) leading to the same frameshift variant (p.Glu455Glnfs*3) has been observed in an individual with breast cancer (PMID: 37444426); This variant is associated with the following publications: (PMID: 31921681, 37444426)

Literature cited by the submitters: PubMed 29895858 (cited by Labcorp Genetics (formerly Invitae), Labcorp); PubMed 30075111 (cited by Labcorp Genetics (formerly Invitae), Labcorp); PubMed 31921681 (cited by Labcorp Genetics (formerly Invitae), Labcorp).